The following is an entry in ClinVar:

ClinVar aggregate classification (germline): Uncertain significance. Review status: criteria provided, multiple submitters, no conflicts (2 of 4 stars). 2 submissions from 2 submitters: Uncertain significance (2). Last evaluated 2025-03-24.

Conditions:
Gastrointestinal stromal tumor. Also called: Gastrointestinal stroma tumor; Gastrointestinal stromal tumor, somatic. Identifiers: Orphanet 44890, MedGen C0238198, MeSH D046152, MONDO:0011719, OMIM 606764, HP:0100723.
Hereditary cancer-predisposing syndrome. Also called: Hereditary neoplastic syndrome; Neoplastic Syndromes, Hereditary; Hereditary Cancer Syndrome; Tumor predisposition. Identifiers: Orphanet 140162, MedGen C0027672, MeSH D009386, MONDO:0015356.

Submissions (2):

Ambry Genetics
Classification: Uncertain significance for Hereditary cancer-predisposing syndrome. Last evaluated: 2025-03-24. Review status: criteria provided, single submitter. Criteria: Ambry Variant Classification Scheme 2023. Collection method: clinical testing. Allele origin: germline.
Comment: The p.V287M variant (also known as c.859G>A), located in coding exon 5 of the KIT gene, results from a G to A substitution at nucleotide position 859. The valine at codon 287 is replaced by methionine, an amino acid with highly similar properties. This amino acid position is conserved. In addition, this alteration is predicted to be tolerated by in silico analysis. Based on the available evidence, the clinical significance of this variant remains unclear.

Labcorp Genetics (formerly Invitae), Labcorp
Classification: Uncertain significance for Gastrointestinal stromal tumor. Last evaluated: 2022-01-11. Review status: criteria provided, single submitter. Criteria: Invitae Variant Classification Sherloc (09022015). Collection method: clinical testing. Allele origin: germline.
Comment: In summary, the available evidence is currently insufficient to determine the role of this variant in disease. Therefore, it has been classified as a Variant of Uncertain Significance. Algorithms developed to predict the effect of missense changes on protein structure and function are either unavailable or do not agree on the potential impact of this missense change (SIFT: "Tolerated"; PolyPhen-2: "Possibly Damaging"; Align-GVGD: "Class C0"). This variant has not been reported in the literature in individuals affected with KIT-related conditions. This variant is not present in population databases (gnomAD no frequency). This sequence change replaces valine, which is neutral and non-polar, with methionine, which is neutral and non-polar, at codon 287 of the KIT protein (p.Val287Met).

NM_000222.3(KIT):c.859G>A (p.Val287Met)

Gene: KIT (KIT proto-oncogene, receptor tyrosine kinase; plus strand). Cytogenetic location: 4q12.
Variant type: single nucleotide variant.
Coding change: c.859G>A on transcript NM_000222.3 (MANE Select); coding-DNA position 859, G replaced by A.
Protein change: p.Val287Met; replaces valine 287 with methionine.
Molecular consequence: missense variant.
Genome position (GRCh38, 1-based): chr4:54,703,826, G>A. VCF-style: chr4-54703826-G-A. GRCh37 (hg19) VCF-style: chr4-55569992-G-A.
Other names: c.859G>A, p.Val287Met (NM_001093772.2, NM_001385285.1, NM_001385286.1); c.862G>A, p.Val288Met (NM_001385284.1, NM_001385288.1, NM_001385290.1 and 1 more transcripts); short protein forms V287M, V288M.
Identifiers: ClinVar variation 2080434 (VCV002080434.3), dbSNP rs1720608499, ClinGen allele CA356899937.